The following is an entry in ClinVar:

ClinVar aggregate classification (germline): Uncertain significance (1 of 4 stars; one submission).

gnomAD v4.1: 1 of 1,614,038 alleles (0.000062%); no homozygotes.

Submission:

Labcorp Genetics (formerly Invitae), Labcorp
Classification: Uncertain significance. Last evaluated: 2021-04-13. Review status: criteria provided, single submitter. Criteria: Invitae Variant Classification Sherloc (09022015). Collection method: clinical testing. Allele origin: germline.
Comment: This variant has not been reported in the literature in individuals with LRP6-related conditions. This variant is not present in population databases (ExAC no frequency). This sequence change replaces glutamic acid with lysine at codon 1260 of the LRP6 protein (p.Glu1260Lys). The glutamic acid residue is highly conserved and there is a small physicochemical difference between glutamic acid and lysine. In summary, the available evidence is currently insufficient to determine the role of this variant in disease. Therefore, it has been classified as a Variant of Uncertain Significance. Algorithms developed to predict the effect of missense changes on protein structure and function are either unavailable or do not agree on the potential impact of this missense change (SIFT: "Deleterious"; PolyPhen-2: "Benign"; Align-GVGD: "Class C15").

NM_002336.3(LRP6):c.3778G>A (p.Glu1260Lys)

Gene: LRP6 (LDL receptor related protein 6; minus strand). Cytogenetic location: 12p13.2.
Variant type: single nucleotide variant.
Coding change: c.3778G>A on transcript NM_002336.3 (MANE Select); coding-DNA position 3778, G replaced by A.
Protein change: p.Glu1260Lys; replaces glutamic acid 1260 with lysine.
Molecular consequence: missense variant.
Genome position (GRCh38, 1-based): chr12:12,132,013, C>T on the plus strand (G>A on the coding strand, the complement: LRP6 is on the minus strand). VCF-style: chr12-12132013-C-T. GRCh37 (hg19) VCF-style: chr12-12284947-C-T.
Other names: short protein forms E1260K.
Identifiers: ClinVar variation 1509367 (VCV001509367.8), dbSNP rs1418161683, ClinGen allele CA383951941.
Genomic context (GRCh38, chr12:12,132,013, plus strand): 5'-TGTGGTCTTCACATTCAGTAAACCCATCGCACCGCCAAGCCACAGGGATACAGTCAATTT[C>T]CCCCGTGAAACAAGTAAACTGCTGAGGAGAACATGTTGGAGGTTCTTCAAATGAACAAGG-3'
Protein context (NP_002327.2, residues 1250-1270): SPQQFTCFTG[Glu1260Lys]IDCIPVAWRC